The following is an entry in ClinVar:

NM_000283.4(PDE6B):c.1333A>C (p.Lys445Gln)

Gene: PDE6B (phosphodiesterase 6B; plus strand). Cytogenetic location: 4p16.3.
Variant type: single nucleotide variant.
Coding change: c.1333A>C on transcript NM_000283.4 (MANE Select); coding-DNA position 1333, A replaced by C.
Protein change: p.Lys445Gln; replaces lysine 445 with glutamine.
Molecular consequence: missense variant.
Genome position (GRCh38, 1-based): chr4:657,426, A>C. VCF-style: chr4-657426-A-C. GRCh37 (hg19) VCF-style: chr4-651215-A-C.
Other names: c.1333A>C, p.Lys445Gln (NM_001145291.2, NM_001440547.1, NM_001440548.1); c.496A>C, p.Lys166Gln (NM_001145292.2, NM_001350154.3, NM_001379246.1 and 1 more transcripts); c.178A>C, p.Lys60Gln (NM_001350155.3); short protein forms K60Q, K166Q, K445Q.
Identifiers: ClinVar variation 4627210 (VCV004627210.3).

ClinVar aggregate classification (germline): Uncertain significance. Review status: criteria provided, multiple submitters, no conflicts (2 of 4 stars). 3 submissions from 3 submitters: Uncertain significance (3). Last evaluated 2026-04-10.

Conditions:
Inborn genetic diseases. Identifiers: MedGen C0950123, MeSH D030342.
PDE6B-related disorder. Also called: PDE6B-related disease; PDE6B-related condition; PDE6B-related disorders.

gnomAD v4.1: 4 of 1,613,150 alleles (0.00025%); highest among the groups gnomAD compares: African/African-American, 0.0013%; no homozygotes.

Submissions (3):

PreventionGenetics, part of Exact Sciences
Classification: Uncertain significance for PDE6B-related condition. Last evaluated: 2026-04-10. Review status: criteria provided, single submitter. Criteria: ACMG Guidelines, 2015. Collection method: clinical testing. Allele origin: germline.
Comment: The PDE6B c.1333A>C variant is predicted to result in the amino acid substitution p.Lys445Gln. To our knowledge, this variant has not been reported in the literature. This variant is reported in 0.011% of alleles in individuals of African descent in gnomAD. At this time, the clinical significance of this variant is uncertain due to the absence of conclusive functional and genetic evidence.

Ambry Genetics
Classification: Uncertain significance for Inborn genetic diseases. Last evaluated: 2025-11-20. Review status: criteria provided, single submitter. Criteria: Ambry Variant Classification Scheme 2023. Collection method: clinical testing. Allele origin: germline.

Blueprint Genetics
Classification: Uncertain significance. Last evaluated: 2019-09-11. Review status: criteria provided, single submitter. Criteria: ACMG Guidelines, 2015. Collection method: clinical testing. Allele origin: germline.